The following is an entry in ClinVar:

ClinVar aggregate classification (germline): Pathogenic (1 of 4 stars; one submission).

Submission:

Athena Diagnostics
Classification: Pathogenic. Last evaluated: 2024-01-08. Review status: criteria provided, single submitter. Criteria: Athena Diagnostics Criteria. Collection method: clinical testing. Allele origin: unknown.
Comment: This variant is expected to result in the loss of a functional protein. This variant has not been reported in large, multi-ethnic general populations. This variant has been identified in at least one individual tested at Athena Diagnostics with clinical features associated with this gene.

NM_015046.7(SETX):c.3262G>T (p.Glu1088Ter)

Gene: SETX (senataxin; minus strand). Cytogenetic location: 9q34.13.
Variant type: single nucleotide variant.
Coding change: c.3262G>T on transcript NM_015046.7 (MANE Select); coding-DNA position 3262, G replaced by T.
Protein change: p.Glu1088Ter; replaces glutamic acid 1088 with a stop codon.
Molecular consequence: nonsense.
Genome position (GRCh38, 1-based): chr9:132,328,336, C>A on the plus strand (G>T on the coding strand, the complement: SETX is on the minus strand). VCF-style: chr9-132328336-C-A. GRCh37 (hg19) VCF-style: chr9-135203723-C-A.
Other names: c.3262G>T, p.Glu1088Ter (NM_001351527.2, NM_001351528.2); short protein forms E1088*.
Identifiers: ClinVar variation 3571870 (VCV003571870.1).